The following is an entry in ClinVar:

ClinVar aggregate classification (germline): Uncertain significance. Review status: criteria provided, multiple submitters, no conflicts (2 of 4 stars). 2 submissions from 2 submitters: Uncertain significance (2). Last evaluated 2023-09-21.

Allele frequency attached by ClinVar (database versions not stated): TOPMed below 0.00001; gnomAD 0.00001; gnomAD exomes 0.00001 and 0.00002; ExAC 0.00002.

Submissions (2):

Labcorp Genetics (formerly Invitae), Labcorp
Classification: Uncertain significance. Last evaluated: 2023-09-21. Review status: criteria provided, single submitter. Criteria: Invitae Variant Classification Sherloc (09022015). Collection method: clinical testing. Allele origin: germline.
Comment: This variant is present in population databases (rs753522543, gnomAD 0.003%). In summary, the available evidence is currently insufficient to determine the role of this variant in disease. Therefore, it has been classified as a Variant of Uncertain Significance. Advanced modeling of protein sequence and biophysical properties (such as structural, functional, and spatial information, amino acid conservation, physicochemical variation, residue mobility, and thermodynamic stability) performed at Invitae indicates that this missense variant is not expected to disrupt LRRC56 protein function. ClinVar contains an entry for this variant (Variation ID: 1414029). This variant has not been reported in the literature in individuals affected with LRRC56-related conditions. This sequence change replaces alanine, which is neutral and non-polar, with threonine, which is neutral and polar, at codon 135 of the LRRC56 protein (p.Ala135Thr).

Ambry Genetics
Classification: Uncertain significance. Last evaluated: 2021-07-20. Review status: criteria provided, single submitter. Criteria: Ambry Variant Classification Scheme 2023. Collection method: clinical testing. Allele origin: germline.

NM_198075.4(LRRC56):c.403G>A (p.Ala135Thr)

Gene: LRRC56 (leucine rich repeat containing 56; plus strand). Cytogenetic location: 11p15.5.
Variant type: single nucleotide variant.
Coding change: c.403G>A on transcript NM_198075.4 (MANE Select); coding-DNA position 403, G replaced by A.
Protein change: p.Ala135Thr; replaces alanine 135 with threonine.
Molecular consequence: missense variant.
Genome position (GRCh38, 1-based): chr11:549,978, G>A. VCF-style: chr11-549978-G-A. GRCh37 (hg19) VCF-style: chr11-549978-G-A.
Other names: c.403G>A (NM_198075.3); short protein forms A135T.
Identifiers: ClinVar variation 1414029 (VCV001414029.9), dbSNP rs753522543, ClinGen allele CA5779682.